The following is an entry in ClinVar:

ClinVar aggregate classification (germline): Uncertain significance (1 of 4 stars; one submission).

Conditions:
Familial adenomatous polyposis 1 (FAP1). Also called: FAMILIAL ADENOMATOUS POLYPOSIS 1, ATTENUATED; POLYPOSIS, ADENOMATOUS INTESTINAL. Identifiers: MedGen C2713442, MONDO:0021056, OMIM 175100. Disease mechanism: loss of function.

Submission:

Labcorp Genetics (formerly Invitae), Labcorp
Classification: Uncertain significance for Familial adenomatous polyposis 1. Last evaluated: 2024-06-17. Review status: criteria provided, single submitter. Criteria: Invitae Variant Classification Sherloc (09022015). Collection method: clinical testing. Allele origin: germline.
Comment: This sequence change replaces arginine, which is basic and polar, with lysine, which is basic and polar, at codon 976 of the APC protein (p.Arg976Lys). This variant is not present in population databases (gnomAD no frequency). This variant has not been reported in the literature in individuals affected with APC-related conditions. Advanced modeling of protein sequence and biophysical properties (such as structural, functional, and spatial information, amino acid conservation, physicochemical variation, residue mobility, and thermodynamic stability) performed at Invitae indicates that this missense variant is not expected to disrupt APC protein function with a negative predictive value of 95%. In summary, the available evidence is currently insufficient to determine the role of this variant in disease. Therefore, it has been classified as a Variant of Uncertain Significance.

NM_000038.6(APC):c.2927G>A (p.Arg976Lys)

Gene: APC (APC regulator of Wnt signaling pathway; plus strand). Cytogenetic location: 5q22.2.
Variant type: single nucleotide variant.
Coding change: c.2927G>A on transcript NM_000038.6 (MANE Select); coding-DNA position 2927, G replaced by A.
Protein change: p.Arg976Lys; replaces arginine 976 with lysine.
Molecular consequence: missense variant. On other transcripts: non-coding transcript variant (2).
Genome position (GRCh38, 1-based): chr5:112,838,521, G>A. VCF-style: chr5-112838521-G-A. GRCh37 (hg19) VCF-style: chr5-112174218-G-A.
Other names: c.2927G>A, p.Arg976Lys (NM_001127510.3, NM_001354895.2, NM_001407450.1); c.2873G>A, p.Arg958Lys (NM_001127511.3); c.2981G>A, p.Arg994Lys (NM_001354896.2, NM_001407447.1, NM_001407448.1 and 1 more transcripts); c.2957G>A, p.Arg986Lys (NM_001354897.2); c.2852G>A, p.Arg951Lys (NM_001354898.2); c.2843G>A, p.Arg948Lys (NM_001354899.2); c.2804G>A, p.Arg935Lys (NM_001354900.2); c.2750G>A, p.Arg917Lys (NM_001354901.2, NM_001407453.1); and 11 more; short protein forms R693K, R816K, R847K, R850K, R885K, R592K, R948K, R966K.
Identifiers: ClinVar variation 3635435 (VCV003635435.2).